The following is an entry in ClinVar:

ClinVar aggregate classification (germline): Uncertain significance. Review status: criteria provided, multiple submitters, no conflicts (2 of 4 stars). 2 submissions from 2 submitters: Uncertain significance (2). Last evaluated 2025-09-28.

Conditions:
Inborn genetic diseases. Identifiers: MedGen C0950123, MeSH D030342.

Allele frequency attached by ClinVar (database versions not stated): TOPMed 0.00002; gnomAD 0.00001; ExAC 0.00002; gnomAD exomes 0.00004; ESP Exome Variant Server 0.00008.
gnomAD v4.1: 57 of 1,610,044 alleles (0.0035%); highest among the groups gnomAD compares: Non-Finnish European, 0.0045%; no homozygotes.

Submissions (2):

Ambry Genetics
Classification: Uncertain significance for Inborn genetic diseases. Last evaluated: 2025-09-28. Review status: criteria provided, single submitter. Criteria: Ambry Variant Classification Scheme 2023. Collection method: clinical testing. Allele origin: germline.

Labcorp Genetics (formerly Invitae), Labcorp
Classification: Uncertain significance. Last evaluated: 2022-03-18. Review status: criteria provided, single submitter. Criteria: Invitae Variant Classification Sherloc (09022015). Collection method: clinical testing. Allele origin: germline.
Comment: In summary, the available evidence is currently insufficient to determine the role of this variant in disease. Therefore, it has been classified as a Variant of Uncertain Significance. Algorithms developed to predict the effect of missense changes on protein structure and function are either unavailable or do not agree on the potential impact of this missense change (SIFT: "Tolerated"; PolyPhen-2: "Not Available"; Align-GVGD: "Class C0"). This variant has not been reported in the literature in individuals affected with PTPN23-related conditions. This variant is present in population databases (rs376315085, gnomAD 0.004%). This sequence change replaces isoleucine, which is neutral and non-polar, with methionine, which is neutral and non-polar, at codon 1540 of the PTPN23 protein (p.Ile1540Met).

NM_015466.4(PTPN23):c.4620C>G (p.Ile1540Met)

Gene: PTPN23 (protein tyrosine phosphatase non-receptor type 23; plus strand). Cytogenetic location: 3p21.31.
Variant type: single nucleotide variant.
Coding change: c.4620C>G on transcript NM_015466.4 (MANE Select); coding-DNA position 4620, C replaced by G.
Protein change: p.Ile1540Met; replaces isoleucine 1540 with methionine.
Molecular consequence: missense variant.
Genome position (GRCh38, 1-based): chr3:47,412,894, C>G. VCF-style: chr3-47412894-C-G. GRCh37 (hg19) VCF-style: chr3-47454384-C-G.
Other names: c.4620C>G (NM_015466.2); c.4242C>G, p.Ile1414Met (NM_001304482.2); short protein forms I1540M, I1414M.
Identifiers: ClinVar variation 1932226 (VCV001932226.4), dbSNP rs376315085, ClinGen allele CA2366652.